The following is an entry in ClinVar:

NM_001018025.4(MTCP1):c.295C>A (p.Leu99Met)

Genes: CMC4 (C-X9-C motif containing 4; minus strand), MTCP1 (mature T cell proliferation 1; minus strand). Cytogenetic location: Xq28.
Variant type: single nucleotide variant.
Coding change: c.295C>A on transcript NM_001018025.4 (MANE Select); coding-DNA position 295, C replaced by A.
Protein change: p.Leu99Met; replaces leucine 99 with methionine.
Molecular consequence: missense variant. On other transcripts: intron variant (1).
Genome position (GRCh38, 1-based): chrX:155,065,519, G>T on the plus strand (C>A on the coding strand, the complement: MTCP1 is on the minus strand). VCF-style: chrX-155065519-G-T. GRCh37 (hg19) VCF-style: chrX-154293794-G-T.
Other names: c.-10-1486C>A (NM_001018024.3); short protein forms L99M.
Identifiers: ClinVar variation 4553741 (VCV004553741.1).
Genomic context (GRCh38, chrX:155,065,519, plus strand): 5'-GGACAGAGGAGAAATAGAAATACATACCAGGTTAGTCATCAGGCAAAAGCTTAAGCAACA[G>T]CTCCTGTACTCCCCTGACCTGTCAGAAAAAGAAAAGTTTATGGAGTACTCTGTTACGAGA-3'
Protein context (NP_001018025.1, residues 89-107): HHLMVRGVQE[Leu99Met]LLKLLPDD

ClinVar aggregate classification (germline): Uncertain significance (1 of 4 stars; one submission).

gnomAD v4.1: 4 of 1,209,752 alleles (0.00033%); highest among the groups gnomAD compares: Non-Finnish European, 0.00045%; no homozygotes.

Submission:

Ambry Genetics
Classification: Uncertain significance. Last evaluated: 2025-10-21. Review status: criteria provided, single submitter. Criteria: Ambry Variant Classification Scheme 2023. Collection method: clinical testing. Allele origin: germline.
Comment: The c.295C>A (p.L99M) alteration is located in exon 4 (coding exon 3) of the MTCP1 gene. This alteration results from a C to A substitution at nucleotide position 295, causing the leucine (L) at amino acid position 99 to be replaced by a methionine (M). Based on data from gnomAD, the A allele has an overall frequency of 0.005% (1/22089) total alleles studied. The highest observed frequency was 0.009% (1/10886) of European (non-Finnish) alleles. Based on insufficient or conflicting evidence, the clinical significance of this alteration remains unclear.